The following is an entry in ClinVar:

NM_177438.3(DICER1):c.4796G>A (p.Arg1599Gln)

Gene: DICER1 (dicer 1, ribonuclease III; minus strand). Cytogenetic location: 14q32.13.
Variant type: single nucleotide variant.
Coding change: c.4796G>A on transcript NM_177438.3 (MANE Select); coding-DNA position 4796, G replaced by A.
Protein change: p.Arg1599Gln; replaces arginine 1599 with glutamine.
Molecular consequence: missense variant.
Genome position (GRCh38, 1-based): chr14:95,096,124, C>T on the plus strand (G>A on the coding strand, the complement: DICER1 is on the minus strand). VCF-style: chr14-95096124-C-T. GRCh37 (hg19) VCF-style: chr14-95562461-C-T.
Other names: c.4796G>A, p.Arg1599Gln (NM_001195573.1, NM_001271282.3, NM_001291628.2 and 1 more transcripts); short protein forms R1599Q.
Identifiers: ClinVar variation 417101 (VCV000417101.18), dbSNP rs569615549, ClinGen allele CA7330797.
Genomic context (GRCh38, chr14:95,096,124, plus strand): 5'-ACTGAAAGGTTCTTTTGTTGGCTGTTGAAATTCTCCCGAGTAGGGCACAGGGCCTTTTCC[C>T]GATCAGTCCTTTTAATTACCGGGAGCACCTTCAGCCCCAGTGAACAGAGGAAAAGCTGAG-3'
Protein context (NP_803187.1, residues 1589-1609): KVLPVIKRTD[Arg1599Gln]EKALCPTREN

ClinVar aggregate classification (germline): Likely benign. Review status: criteria provided, multiple submitters, no conflicts (2 of 4 stars). 5 submissions from 5 submitters: Likely benign (5). Last evaluated 2026-07-26.

Conditions:
DICER1-related disorder. Also called: DICER1-related condition.
DICER1-related tumor predisposition. Also called: DICER1 syndrome; DICER1-related pleuropulmonary blastoma cancer predisposition syndrome. Identifiers: Orphanet 284343, MedGen C3839822, MONDO:0100216.
Hereditary cancer-predisposing syndrome. Also called: Hereditary Cancer Syndrome; Tumor predisposition; Hereditary neoplastic syndrome; Neoplastic Syndromes, Hereditary. Identifiers: Orphanet 140162, MedGen C0027672, MeSH D009386, MONDO:0015356.
Pleuropulmonary blastoma (PPB). Identifiers: Orphanet 64742, MedGen C1266144, MONDO:0011014, OMIM 601200, HP:0100528.

Allele frequency attached by ClinVar (database versions not stated): ExAC 0.00019; 1000 Genomes Project 0.00020; TOPMed 0.00001; gnomAD 0.00002 and 0.00003; gnomAD exomes 0.00006 and 0.00012; 1000 Genomes Project 30x 0.00016.
gnomAD v4.1: 89 of 1,614,168 alleles (0.0055%); highest among the groups gnomAD compares: South Asian, 0.088%; no homozygotes.

Submissions (5):

PreventionGenetics, part of Exact Sciences
Classification: Likely benign for DICER1-related condition. Last evaluated: 2026-07-26. Review status: criteria provided, single submitter. Criteria: ACMG Guidelines, 2015. Collection method: clinical testing. Allele origin: germline.
Comment: This variant is classified as likely benign based on ACMG/AMP sequence variant interpretation guidelines (Richards et al. 2015 PMID: 25741868, with internal and published modifications).

Labcorp Genetics (formerly Invitae), Labcorp
Classification: Likely benign for DICER1-related tumor predisposition. Last evaluated: 2026-01-28. Review status: criteria provided, single submitter. Criteria: Invitae Variant Classification Sherloc (09022015). Collection method: clinical testing. Allele origin: germline.

KCCC/NGS Laboratory, Kuwait Cancer Control Center
Classification: Likely benign for Pleuropulmonary blastoma. Last evaluated: 2023-07-07. Review status: criteria provided, single submitter. Criteria: ACMG Guidelines, 2015. Collection method: clinical testing. Allele origin: germline. Affected: yes.

Sema4
Classification: Likely benign for Hereditary cancer-predisposing syndrome. Last evaluated: 2022-01-15. Review status: criteria provided, single submitter. Criteria: Sema4 Curation Guidelines. Collection method: curation. Allele origin: germline.

Ambry Genetics
Classification: Likely benign for Hereditary cancer-predisposing syndrome. Last evaluated: 2021-07-14. Review status: criteria provided, single submitter. Criteria: Ambry Variant Classification Scheme 2023. Collection method: clinical testing. Allele origin: germline.

Literature cited by the submitters: PubMed 29399970 (cited by Ambry Genetics).